The following is an entry in ClinVar:

NM_177438.3(DICER1):c.2871C>A (p.Leu957=)

Gene: DICER1 (dicer 1, ribonuclease III; minus strand). Cytogenetic location: 14q32.13.
Variant type: single nucleotide variant.
Coding change: c.2871C>A on transcript NM_177438.3 (MANE Select); coding-DNA position 2871, C replaced by A.
Protein change: p.Leu957=; no amino-acid change (leucine 957 retained).
Molecular consequence: synonymous variant.
Genome position (GRCh38, 1-based): chr14:95,106,157, G>T on the plus strand (C>A on the coding strand, the complement: DICER1 is on the minus strand). VCF-style: chr14-95106157-G-T. GRCh37 (hg19) VCF-style: chr14-95572494-G-T.
Other names: c.2871C>A, p.Leu957= (NM_001195573.1, NM_001271282.3, NM_001291628.2 and 1 more transcripts).
Identifiers: ClinVar variation 417116 (VCV000417116.17), dbSNP rs758526739, ClinGen allele CA16614352.

ClinVar aggregate classification (germline): Benign/Likely benign. Review status: criteria provided, multiple submitters, no conflicts (2 of 4 stars). 3 submissions from 3 submitters: Benign (1); Likely benign (2). Last evaluated 2026-04-16.

Conditions:
DICER1-related tumor predisposition. Also called: DICER1-related pleuropulmonary blastoma cancer predisposition syndrome; DICER1 syndrome. Identifiers: Orphanet 284343, MedGen C3839822, MONDO:0100216.
Hereditary cancer-predisposing syndrome. Also called: Hereditary Cancer Syndrome; Neoplastic Syndromes, Hereditary; Hereditary neoplastic syndrome; Tumor predisposition. Identifiers: Orphanet 140162, MedGen C0027672, MeSH D009386, MONDO:0015356.

Allele frequency attached by ClinVar (database versions not stated): gnomAD 0.00001.
gnomAD v4.1: 2 of 1,613,910 alleles (0.00012%); highest among the groups gnomAD compares: South Asian, 0.0011%; no homozygotes.

Submissions (3):

Myriad Genetics, Inc.
Classification: Benign for DICER1-related tumor predisposition. Last evaluated: 2026-04-16. Review status: criteria provided, single submitter. Criteria: Myriad Autosomal Dominant, Autosomal Recessive and X-Linked Classification Criteria (2023). Collection method: clinical testing. Allele origin: unknown.
Comment: This variant is considered benign. This variant is a silent/synonymous amino acid change and it is not expected to impact splicing.

Labcorp Genetics (formerly Invitae), Labcorp
Classification: Likely benign for DICER1-related tumor predisposition. Last evaluated: 2025-04-17. Review status: criteria provided, single submitter. Criteria: Invitae Variant Classification Sherloc (09022015). Collection method: clinical testing. Allele origin: germline.

Ambry Genetics
Classification: Likely benign for Hereditary cancer-predisposing syndrome. Last evaluated: 2018-04-26. Review status: criteria provided, single submitter. Criteria: Ambry Variant Classification Scheme 2023. Collection method: clinical testing. Allele origin: germline.